The following is an entry in ClinVar:

NM_004304.5(ALK):c.532A>G (p.Ile178Val)

Gene: ALK (ALK receptor tyrosine kinase; minus strand). Cytogenetic location: 2p23.1.
Variant type: single nucleotide variant.
Coding change: c.532A>G on transcript NM_004304.5 (MANE Select); coding-DNA position 532, A replaced by G.
Protein change: p.Ile178Val; replaces isoleucine 178 with valine.
Molecular consequence: missense variant.
Genome position (GRCh38, 1-based): chr2:29,920,128, T>C on the plus strand (A>G on the coding strand, the complement: ALK is on the minus strand). VCF-style: chr2-29920128-T-C. GRCh37 (hg19) VCF-style: chr2-30142994-T-C.
Other names: c.532A>G (NM_004304.4); short protein forms I178V.
Identifiers: ClinVar variation 1017832 (VCV001017832.9), dbSNP rs1667950122, ClinGen allele CA346589854.

ClinVar aggregate classification (germline): Uncertain significance. Review status: criteria provided, multiple submitters, no conflicts (2 of 4 stars). 2 submissions from 2 submitters: Uncertain significance (2). Last evaluated 2025-05-19.

Conditions:
Hereditary cancer-predisposing syndrome. Also called: Tumor predisposition; Hereditary Cancer Syndrome; Neoplastic Syndromes, Hereditary; Hereditary neoplastic syndrome. Identifiers: Orphanet 140162, MedGen C0027672, MeSH D009386, MONDO:0015356.
Neuroblastoma, susceptibility to, 3. Also called: ALK-Related Neuroblastic Tumor Susceptibility. Identifiers: Orphanet 635, MedGen C2751681, MONDO:0013083, OMIM 613014.

Allele frequency attached by ClinVar (database versions not stated): gnomAD exomes below 0.00001.
gnomAD v4.1: 3 of 1,614,014 alleles (0.00019%); highest among the groups gnomAD compares: Non-Finnish European, 0.00025%; no homozygotes.

Submissions (2):

Ambry Genetics
Classification: Uncertain significance for Hereditary cancer-predisposing syndrome. Last evaluated: 2025-05-19. Review status: criteria provided, single submitter. Criteria: Ambry Variant Classification Scheme 2023. Collection method: clinical testing. Allele origin: germline.
Comment: The p.I178V variant (also known as c.532A>G), located in coding exon 1 of the ALK gene, results from an A to G substitution at nucleotide position 532. The isoleucine at codon 178 is replaced by valine, an amino acid with highly similar properties. This amino acid position is conserved. In addition, this alteration is predicted to be tolerated by in silico analysis. Based on the available evidence, the clinical significance of this variant remains unclear.

Labcorp Genetics (formerly Invitae), Labcorp
Classification: Uncertain significance for Neuroblastoma, susceptibility to, 3. Last evaluated: 2025-01-26. Review status: criteria provided, single submitter. Criteria: Invitae Variant Classification Sherloc (09022015). Collection method: clinical testing. Allele origin: germline.
Comment: This sequence change replaces isoleucine, which is neutral and non-polar, with valine, which is neutral and non-polar, at codon 178 of the ALK protein (p.Ile178Val). This variant is not present in population databases (gnomAD no frequency). This variant has not been reported in the literature in individuals affected with ALK-related conditions. ClinVar contains an entry for this variant (Variation ID: 1017832). An algorithm developed to predict the effect of missense changes on protein structure and function outputs the following: PolyPhen-2: "Benign". The valine amino acid residue is found in multiple mammalian species, which suggests that this missense change does not adversely affect protein function. In summary, the available evidence is currently insufficient to determine the role of this variant in disease. Therefore, it has been classified as a Variant of Uncertain Significance.